The following is an entry in ClinVar:

ClinVar aggregate classification (germline): Uncertain significance. Review status: criteria provided, single submitter (1 of 4 stars). 2 submissions from 2 submitters: Uncertain significance (1). 1 of the submissions does not count toward it. Last evaluated 2025-04-29.

Conditions:
ERCC4-related disorder. Also called: ERCC4-related condition.

Allele frequency attached by ClinVar (database versions not stated): gnomAD exomes below 0.00001 and 0.00001; TOPMed below 0.00001; gnomAD 0.00001.
gnomAD v4.1: 4 of 1,613,978 alleles (0.00025%); highest among the groups gnomAD compares: Admixed American, 0.005%; no homozygotes.

Submissions (2):

PreventionGenetics, part of Exact Sciences
Classification: Uncertain significance for ERCC4-related condition. Last evaluated: 2025-04-29. Review status: criteria provided, single submitter. Criteria: ACMG Guidelines, 2015. Collection method: clinical testing. Allele origin: germline.
Comment: The ERCC4 c.1711C>T variant is predicted to result in the amino acid substitution p.His571Tyr. To our knowledge, this variant has not been reported in the literature. This variant is reported in 0.0058% of alleles in individuals of Latino descent in gnomAD. At this time, the clinical significance of this variant is uncertain due to the absence of conclusive functional and genetic evidence.

ITMI
No classification provided. Condition: AllHighlyPenetrant. Last evaluated: 2013-09-19. Review status: no classification provided. Collection method: reference population. Allele origin: germline. Not counted in ClinVar's aggregate classification.
Comment: Please see associated publication for description of ethnicities

Literature cited by the submitters: PubMed 24728327 (cited by ITMI).

NM_005236.3(ERCC4):c.1711C>T (p.His571Tyr)

Gene: ERCC4 (ERCC excision repair 4, endonuclease catalytic subunit; plus strand). Cytogenetic location: 16p13.12.
Variant type: single nucleotide variant.
Coding change: c.1711C>T on transcript NM_005236.3 (MANE Select); coding-DNA position 1711, C replaced by T.
Protein change: p.His571Tyr; replaces histidine 571 with tyrosine.
Molecular consequence: missense variant.
Genome position (GRCh38, 1-based): chr16:13,935,643, C>T. VCF-style: chr16-13935643-C-T. GRCh37 (hg19) VCF-style: chr16-14029500-C-T.
Other names: c.1711C>T (NM_005236.2); short protein forms H571Y.
Identifiers: ClinVar variation 134154 (VCV000134154.2), dbSNP rs587778287, ClinGen allele CA158924.
Genomic context (GRCh38, chr16:13,935,643, plus strand): 5'-CTCACTATCATCCATCCGCTTCTGGGTTGCAGCGACCCCTATGCTCTGACAAGGGTACTA[C>T]ATGAAGTGGAGCCAAGATACGTGGTTCTTTATGACGCAGAGCTAACCTTTGTTCGGCAGC-3'
Protein context (NP_005227.1, residues 561-581): SDPYALTRVL[His571Tyr]EVEPRYVVLY